The following is an entry in ClinVar:

NM_001010874.5(TECRL):c.408C>G (p.Asp136Glu)

Gene: TECRL (trans-2,3-enoyl-CoA reductase like; minus strand). Cytogenetic location: 4q13.1.
Variant type: single nucleotide variant.
Coding change: c.408C>G on transcript NM_001010874.5 (MANE Select); coding-DNA position 408, C replaced by G.
Protein change: p.Asp136Glu; replaces aspartic acid 136 with glutamic acid.
Molecular consequence: missense variant.
Genome position (GRCh38, 1-based): chr4:64,322,716, G>C on the plus strand (C>G on the coding strand, the complement: TECRL is on the minus strand). VCF-style: chr4-64322716-G-C. GRCh37 (hg19) VCF-style: chr4-65188434-G-C.
Other names: c.408C>G, p.Asp136Glu (NM_001363796.1); short protein forms D136E.
Identifiers: ClinVar variation 3966919 (VCV003966919.1).

ClinVar aggregate classification (germline): Uncertain significance (1 of 4 stars; one submission).

Conditions:
Cardiovascular phenotype. Identifiers: MedGen CN230736.

Submission:

Ambry Genetics
Classification: Uncertain significance for Cardiovascular phenotype. Last evaluated: 2025-04-05. Review status: criteria provided, single submitter. Criteria: Ambry Variant Classification Scheme 2023. Collection method: clinical testing. Allele origin: germline.
Comment: The p.D136E variant (also known as c.408C>G), located in coding exon 4 of the TECRL gene, results from a C to G substitution at nucleotide position 408. The aspartic acid at codon 136 is replaced by glutamic acid, an amino acid with highly similar properties. This amino acid position is conserved. In addition, the in silico prediction for this alteration is inconclusive. Based on the available evidence, the clinical significance of this variant remains unclear.